The following is an entry in ClinVar:

NM_001081.4(CUBN):c.1865del (p.Thr622fs)

Gene: CUBN (cubilin; minus strand). Cytogenetic location: 10p13.
Variant type: Deletion.
Coding change: c.1865del on transcript NM_001081.4 (MANE Select); coding-DNA position 1865, one base deleted (C; older notation c.1865delC).
Protein change: p.Thr622fs; shifts the reading frame from threonine 622.
Molecular consequence: frameshift variant.
Genome position (GRCh38, 1-based): chr10:17,088,246, G deleted on the plus strand (C on the coding strand, the reverse complement: CUBN is on the minus strand). VCF-style (leftmost placement, unchanged base first): chr10-17088245-AG-A. GRCh37 (hg19) VCF-style: chr10-17130244-AG-A.
Other names: c.1865delC (NM_001081.3); short protein forms T622fs.
Identifiers: ClinVar variation 56323 (VCV000056323.17), dbSNP rs386833771, ClinGen allele CA144255.
Genomic context (GRCh38, chr10:17,088,245, plus strand): 5'-GTCATCATGGTGCTCGAGGCTCAAGGTCCCAAAAGTAAATGTTACCAGGAGGTCAGGACT[AG>A]TTACAACAATCCAGACACAATCTCTTCCTGGGGGATAGTTTCCAGGATACCCCGGAGACT-3'

ClinVar aggregate classification (germline): Pathogenic. Review status: criteria provided, multiple submitters, no conflicts (2 of 4 stars). 5 submissions from 5 submitters: Pathogenic (4). 1 of the submissions does not count toward it. Last evaluated 2024-05-06.

Conditions:
Proteinuria, chronic benign. Identifiers: MedGen C5394384, MONDO:0030042, OMIM 618884.
Imerslund-Grasbeck syndrome type 1 (IGS1). Also called: MEGALOBLASTIC ANEMIA, 1; Imerslund-Gräsbeck syndrome 1; Megaloblastic anemia 1, Finnish type. Identifiers: MedGen C4016819, MONDO:0100156, OMIM 261100.
Imerslund-Grasbeck syndrome. Also called: ENTEROCYTE COBALAMIN MALABSORPTION; ENTEROCYTE INTRINSIC FACTOR RECEPTOR, DEFECT OF; PERNICIOUS ANEMIA, JUVENILE, DUE TO SELECTIVE INTESTINAL MALABSORPTION OF VITAMIN B12, WITH PROTEINURIA; Megaloblastic anemia due to inborn errors of metabolism; Imerslund-Gräsbeck syndrome. Identifiers: Orphanet 35858, MedGen C4551825, MONDO:0009853.

Allele frequency attached by ClinVar (database versions not stated): gnomAD exomes below 0.00001 and 0.00001; TOPMed 0.00001; gnomAD 0.00001; ExAC 0.00001.

Submissions (5):

Fulgent Genetics
Classification: Pathogenic for Imerslund-Grasbeck syndrome type 1; Proteinuria, chronic benign. Last evaluated: 2024-05-06. Review status: criteria provided, single submitter. Criteria: ACMG Guidelines, 2015. Collection method: clinical testing. Allele origin: germline.

ARUP Laboratories, Molecular Genetics and Genomics, ARUP Laboratories
Classification: Pathogenic. Last evaluated: 2019-08-23. Review status: criteria provided, single submitter. Criteria: ARUP Molecular Germline Variant Investigation Process. Collection method: clinical testing. Allele origin: germline.
Comment: The CUBN c.1865delC; p.Thr622fs variant (rs386833771) is reported in the literature in an individual affected with a hereditary vitamin B12 deficiency syndrome that also carried a second frameshift variant (Tanner 2012). The c.1865delC variant is found on only three chromosomes in the Genome Aggregation Database (3/282742 alleles), indicating it is not a common polymorphism. This variant causes a frameshift by deleting a single nucleotide, so it is predicted to result in a truncated protein or mRNA subject to nonsense-mediated decay. Based on available information, this variant is considered to be pathogenic. References: Tanner SM et al. Inherited cobalamin malabsorption. Mutations in three genes reveal functional and ethnic patterns. Orphanet J Rare Dis. 2012 Aug 28;7:56.

Eurofins Ntd Llc (ga)
Classification: Pathogenic. Last evaluated: 2018-06-01. Review status: criteria provided, single submitter. Criteria: EGL ClinVar v180209 classification definitions. Collection method: clinical testing. Allele origin: germline. Observed: 1 variant allele, 1 heterozygote.

GeneDx
Classification: Pathogenic. Last evaluated: 2018-04-10. Review status: criteria provided, single submitter. Criteria: GeneDx Variant Classification (06012015). Collection method: clinical testing. Allele origin: germline. Affected: yes.
Comment: The c.1865delC pathogenic variant in the CUBN gene has been reported previously, with another variant, in association with inherited cobalamin malabsorption (Tanner et al., 2012). The c.1865delC variant causes a frameshift starting with codon Threonine 622, changes this amino acid to a Isoleucine residue, and creates a premature Stop codon at position 7 of the new reading frame, denoted p.Thr622IlefsX7. This variant is predicted to cause loss of normal protein function either through protein truncation or nonsense-mediated mRNA decay. The c.1865delC variant was not observed in approximately 6500 individuals of European and African American ancestry in the NHLBI Exome Sequencing Project, indicating it is not a common benign variant in these populations. We interpret c.1865delC as a pathogenic variant.

Juha Muilu Group; Institute for Molecular Medicine Finland (FIMM)
Classification: Likely pathogenic for Megaloblastic anemia due to inborn errors of metabolism. Review status: no assertion criteria provided. Collection method: not provided. Allele origin: unknown. Not counted in ClinVar's aggregate classification.
Comment: FinDis database variant: This variant was not found or characterized by our laboratory, data were collected from public sources: see reference
ClinVar note: Converted during submission from probable-pathogenic to Likely pathogenic.